The following is an entry in ClinVar:

ClinVar aggregate classification (germline): Benign/Likely benign. Review status: criteria provided, multiple submitters, no conflicts (2 of 4 stars). 7 submissions from 7 submitters: Benign (2); Likely benign (4). 1 of the submissions does not count toward it. Last evaluated 2026-02-03.

Conditions:
ALG1-congenital disorder of glycosylation. Also called: ALG1-CDG; CONGENITAL DISORDER OF GLYCOSYLATION, TYPE Ik; CDG Ik. Identifiers: Orphanet 79327, MedGen C2931005, MONDO:0012052, OMIM 608540.
ALG1-related disorder. Also called: ALG1-related condition.

Allele frequency attached by ClinVar (database versions not stated): 1000 Genomes Project 0.00140; 1000 Genomes Project 30x 0.00141; TOPMed 0.00178; gnomAD 0.00208 and 0.00221; ESP Exome Variant Server 0.00224; gnomAD exomes 0.00316 and 0.00331; ExAC 0.00446.
gnomAD v4.1: 4,871 of 1,612,018 alleles (0.3%); highest among the groups gnomAD compares: Non-Finnish European, 0.36%; 15 homozygotes.

Submissions (10):

Labcorp Genetics (formerly Invitae), Labcorp
Classification: Benign for ALG1-congenital disorder of glycosylation. Last evaluated: 2026-02-03. Review status: criteria provided, single submitter. Criteria: Invitae Variant Classification Sherloc (09022015). Collection method: clinical testing. Allele origin: germline.

CeGaT Center for Human Genetics Tuebingen
Classification: Likely benign. Last evaluated: 2025-12-01. Review status: criteria provided, single submitter. Criteria: CeGaT Center For Human Genetics Tuebingen Variant Classification Criteria Version 2. Collection method: clinical testing. Allele origin: germline. Affected: yes. Observed: 5 variant alleles.
Comment: ALG1: BP4, BP7

Blueprint Genetics
Classification: Likely benign. Last evaluated: 2024-11-27. Review status: criteria provided, single submitter. Criteria: ACMG Guidelines, 2015. Collection method: clinical testing. Allele origin: germline.

ARUP Laboratories, Molecular Genetics and Genomics, ARUP Laboratories
Classification: Benign for ALG1-congenital disorder of glycosylation. Last evaluated: 2024-11-06. Review status: criteria provided, single submitter. Criteria: ARUP Molecular Germline Variant Investigation Process 2024. Collection method: clinical testing. Allele origin: germline.

Mayo Clinic Laboratories, Mayo Clinic
Classification: Likely benign. Last evaluated: 2022-09-15. Review status: criteria provided, single submitter. Criteria: ACMG Guidelines, 2015. Collection method: clinical testing. Allele origin: germline. Observed: 2 variant alleles.
Comment: BP4, BP7, PM2_moderate

GeneDx
Classification: Likely benign. Last evaluated: 2020-09-04. Review status: criteria provided, single submitter. Criteria: GeneDx Variant Classification Process June 2021. Collection method: clinical testing. Allele origin: germline. Affected: yes.

PreventionGenetics, part of Exact Sciences
Classification: Likely benign for ALG1-related condition. Last evaluated: 2019-07-02. Review status: no assertion criteria provided. Collection method: clinical testing. Allele origin: germline. Not counted in ClinVar's aggregate classification.
Comment: This variant is classified as likely benign based on ACMG/AMP sequence variant interpretation guidelines (Richards et al. 2015 PMID: 25741868, with internal and published modifications).

Dr. Peter K. Rogan Lab, Western University
No classification provided (evidence only). Condition: Malignant tumor of urinary bladder. Review status: no classification provided. Collection method: in vitro. Allele origin: not applicable. Functional consequence: retained intron. Not counted in ClinVar's aggregate classification.

Dr. Peter K. Rogan Lab, Western University
No classification provided (evidence only). Condition: Melanoma. Review status: no classification provided. Collection method: in vitro. Allele origin: not applicable. Functional consequence: retained intron. Not counted in ClinVar's aggregate classification.

Dr. Peter K. Rogan Lab, Western University
No classification provided (evidence only). Condition: Cervical cancer. Review status: no classification provided. Collection method: in vitro. Allele origin: not applicable. Functional consequence: retained intron. Not counted in ClinVar's aggregate classification.

NM_019109.5(ALG1):c.1092C>G (p.Val364=)

Gene: ALG1 (ALG1 chitobiosyldiphosphodolichol beta-mannosyltransferase; plus strand). Cytogenetic location: 16p13.3.
Variant type: single nucleotide variant.
Coding change: c.1092C>G on transcript NM_019109.5 (MANE Select); coding-DNA position 1092, C replaced by G.
Protein change: p.Val364=; no amino-acid change (valine 364 retained).
Molecular consequence: synonymous variant.
Genome position (GRCh38, 1-based): chr16:5,082,578, C>G. VCF-style: chr16-5082578-C-G. GRCh37 (hg19) VCF-style: chr16-5132579-C-G.
Other names: p.Val364=; c.759C>G, p.Val253= (NM_001330504.2).
Identifiers: ClinVar variation 381169 (VCV000381169.80), dbSNP rs113602091, ClinGen allele CA7890226.
Genomic context (GRCh38, chr16:5,082,578, plus strand): 5'-GGCAGAGACCAGTGCTCTGACCCACCCCTCTTGCCTAGCAGGGTCGGCGGACCTGGGTGT[C>G]TGTCTGCACACGTCCTCCAGTGGCCTGGACCTGCCCATGAAGGTGGTGGACATGTTCGGG-3'
Protein context (NP_061982.3, residues 354-374): PLLLGSADLG[Val364=]CLHTSSSGLD